The following is an entry in ClinVar:

ClinVar aggregate classification (germline): Uncertain significance. Review status: criteria provided, multiple submitters, no conflicts (2 of 4 stars). 2 submissions from 2 submitters: Uncertain significance (2). Last evaluated 2025-03-26.

Conditions:
Inborn genetic diseases. Identifiers: MedGen C0950123, MeSH D030342.
Fanconi anemia complementation group A (FANCA). Also called: FANCA-Related Fanconi Anemia; Fanconi anemia, group A. Identifiers: Orphanet 84, MedGen C3469521, MONDO:0009215, OMIM 227650.

gnomAD v4.1: 1 of 1,613,026 alleles (0.000062%); highest among the groups gnomAD compares: East Asian, 0.0022%; no homozygotes.

Submissions (2):

Ambry Genetics
Classification: Uncertain significance for Inborn genetic diseases. Last evaluated: 2025-03-26. Review status: criteria provided, single submitter. Criteria: Ambry Variant Classification Scheme 2023. Collection method: clinical testing. Allele origin: germline.
Comment: The p.S162Y variant (also known as c.485C>A), located in coding exon 5 of the FANCA gene, results from a C to A substitution at nucleotide position 485. The serine at codon 162 is replaced by tyrosine, an amino acid with dissimilar properties. This amino acid position is conserved. In addition, this alteration is predicted to be tolerated by in silico analysis. Based on the available evidence, the clinical significance of this variant remains unclear.

Fulgent Genetics
Classification: Uncertain significance for Fanconi anemia complementation group A. Last evaluated: 2024-05-27. Review status: criteria provided, single submitter. Criteria: ACMG Guidelines, 2015. Collection method: clinical testing. Allele origin: germline.

NM_000135.4(FANCA):c.485C>A (p.Ser162Tyr)

Gene: FANCA (FA complementation group A; minus strand). Cytogenetic location: 16q24.3.
Variant type: single nucleotide variant.
Coding change: c.485C>A on transcript NM_000135.4 (MANE Select); coding-DNA position 485, C replaced by A.
Protein change: p.Ser162Tyr; replaces serine 162 with tyrosine.
Molecular consequence: missense variant. On other transcripts: intron variant (1).
Genome position (GRCh38, 1-based): chr16:89,810,744, G>T on the plus strand (C>A on the coding strand, the complement: FANCA is on the minus strand). VCF-style: chr16-89810744-G-T. GRCh37 (hg19) VCF-style: chr16-89877152-G-T.
Other names: c.485C>A, p.Ser162Tyr (NM_001018112.3, NM_001286167.3); c.426+185C>A (NM_001351830.2); short protein forms S162Y.
Identifiers: ClinVar variation 3581574 (VCV003581574.2).